The following is an entry in ClinVar:

ClinVar aggregate classification (germline): Conflicting classifications of pathogenicity. Review status: criteria provided, conflicting classifications (1 of 4 stars). 3 submissions from 3 submitters: Uncertain significance (2); Benign (1). Last evaluated 2025-12-16.

Conditions:
BAP1-related tumor predisposition syndrome (TPDS1). Also called: Tumor susceptibility linked to germline BAP1 mutations; COMMON Syndrome; TUMOR PREDISPOSITION SYNDROME 1; BAP1 tumor predisposition syndrome. Identifiers: Orphanet 289539, MedGen C3280492, MONDO:0013692, OMIM 614327.
Hereditary cancer-predisposing syndrome. Also called: Tumor predisposition; Hereditary Cancer Syndrome; Hereditary neoplastic syndrome; Neoplastic Syndromes, Hereditary. Identifiers: Orphanet 140162, MedGen C0027672, MeSH D009386, MONDO:0015356.

Allele frequency attached by ClinVar (database versions not stated): gnomAD exomes 0.00001.
gnomAD v4.1: 5 of 1,614,052 alleles (0.00031%); highest among the groups gnomAD compares: Non-Finnish European, 0.00042%; no homozygotes.

Submissions (3):

Ambry Genetics
Classification: Benign for Hereditary cancer-predisposing syndrome. Last evaluated: 2025-12-16. Review status: criteria provided, single submitter. Criteria: Ambry Variant Classification Scheme 2023. Collection method: clinical testing. Allele origin: germline.

Labcorp Genetics (formerly Invitae), Labcorp
Classification: Uncertain significance for BAP1-related tumor predisposition syndrome. Last evaluated: 2024-07-19. Review status: criteria provided, single submitter. Criteria: Invitae Variant Classification Sherloc (09022015). Collection method: clinical testing. Allele origin: germline.
Comment: This sequence change replaces valine, which is neutral and non-polar, with isoleucine, which is neutral and non-polar, at codon 550 of the BAP1 protein (p.Val550Ile). This variant is not present in population databases (gnomAD no frequency). This variant has not been reported in the literature in individuals affected with BAP1-related conditions. Advanced modeling of protein sequence and biophysical properties (such as structural, functional, and spatial information, amino acid conservation, physicochemical variation, residue mobility, and thermodynamic stability) performed at Invitae indicates that this missense variant is not expected to disrupt BAP1 protein function with a negative predictive value of 80%. In summary, the available evidence is currently insufficient to determine the role of this variant in disease. Therefore, it has been classified as a Variant of Uncertain Significance.

Baylor Genetics
Classification: Uncertain significance for BAP1-related tumor predisposition syndrome. Last evaluated: 2023-08-05. Review status: criteria provided, single submitter. Criteria: ACMG Guidelines, 2015. Collection method: clinical testing. Allele origin: unknown.

NM_004656.4(BAP1):c.1648G>A (p.Val550Ile)

Gene: BAP1 (BRCA1 associated deubiquitinase 1; minus strand). Cytogenetic location: 3p21.1.
Variant type: single nucleotide variant.
Coding change: c.1648G>A on transcript NM_004656.4 (MANE Select); coding-DNA position 1648, G replaced by A.
Protein change: p.Val550Ile; replaces valine 550 with isoleucine.
Molecular consequence: missense variant.
Genome position (GRCh38, 1-based): chr3:52,403,497, C>T on the plus strand (G>A on the coding strand, the complement: BAP1 is on the minus strand). VCF-style: chr3-52403497-C-T. GRCh37 (hg19) VCF-style: chr3-52437513-C-T.
Other names: c.1594G>A, p.Val532Ile (NM_001410772.1); short protein forms V532I, V550I.
Identifiers: ClinVar variation 2679901 (VCV002679901.5), dbSNP rs2153226617, ClinGen allele CA353100096.